The following is an entry in ClinVar:

ClinVar aggregate classification (germline): Pathogenic (1 of 4 stars; one submission).

Conditions:
Primary ciliary dyskinesia. Also called: Ciliary dyskinesia. Identifiers: Orphanet 244, MedGen C0008780, MONDO:0016575, HP:0012265.

gnomAD v4.1: 2 of 1,613,810 alleles (0.00012%); highest among the groups gnomAD compares: African/African-American, 0.0027%; no homozygotes.

Submission:

Labcorp Genetics (formerly Invitae), Labcorp
Classification: Pathogenic for Primary ciliary dyskinesia. Last evaluated: 2023-12-05. Review status: criteria provided, single submitter. Criteria: Invitae Variant Classification Sherloc (09022015). Collection method: clinical testing. Allele origin: germline.
Comment: This sequence change creates a premature translational stop signal (p.Trp3113*) in the DNAH5 gene. It is expected to result in an absent or disrupted protein product. Loss-of-function variants in DNAH5 are known to be pathogenic (PMID: 11788826, 16627867). This variant is present in population databases (no rsID available, gnomAD 0.007%). This variant has not been reported in the literature in individuals affected with DNAH5-related conditions. For these reasons, this variant has been classified as Pathogenic.

Literature cited by the submitters: PubMed 11788826; PubMed 16627867.

NM_001369.3(DNAH5):c.9339G>A (p.Trp3113Ter)

Gene: DNAH5 (dynein axonemal heavy chain 5; minus strand). Cytogenetic location: 5p15.2.
Variant type: single nucleotide variant.
Coding change: c.9339G>A on transcript NM_001369.3 (MANE Select); coding-DNA position 9339, G replaced by A.
Protein change: p.Trp3113Ter; replaces tryptophan 3113 with a stop codon.
Molecular consequence: nonsense.
Genome position (GRCh38, 1-based): chr5:13,776,473, C>T on the plus strand (G>A on the coding strand, the complement: DNAH5 is on the minus strand). VCF-style: chr5-13776473-C-T. GRCh37 (hg19) VCF-style: chr5-13776582-C-T.
Other names: short protein forms W3113*.
Identifiers: ClinVar variation 2871903 (VCV002871903.3), dbSNP rs771586458, ClinGen allele CA359208066.